The following is an entry in ClinVar:

NM_020166.5(MCCC1):c.288T>A (p.Tyr96Ter)

Gene: MCCC1 (methylcrotonyl-CoA carboxylase subunit 1; minus strand). Cytogenetic location: 3q27.1.
Variant type: single nucleotide variant.
Coding change: c.288T>A on transcript NM_020166.5 (MANE Select); coding-DNA position 288, T replaced by A.
Protein change: p.Tyr96Ter; replaces tyrosine 96 with a stop codon.
Molecular consequence: nonsense. On other transcripts: missense variant (1), 5 prime UTR variant (1), non-coding transcript variant (1).
Genome position (GRCh38, 1-based): chr3:183,086,774, A>T on the plus strand (T>A on the coding strand, the complement: MCCC1 is on the minus strand). VCF-style: chr3-183086774-A-T. GRCh37 (hg19) VCF-style: chr3-182804562-A-T.
Other names: c.59T>A, p.Ile20Asn (NM_001293273.2); c.-40T>A (NM_001363880.1); short protein forms I20N, Y96*.
Identifiers: ClinVar variation 1804815 (VCV001804815.5), dbSNP rs1012193526, ClinGen allele CA355319594.

ClinVar aggregate classification (germline): Pathogenic/Likely pathogenic. Review status: criteria provided, multiple submitters, no conflicts (2 of 4 stars). 3 submissions from 3 submitters: Pathogenic (1); Likely pathogenic (2). Last evaluated 2025-08-05.

Conditions:
Methylcrotonyl-CoA carboxylase deficiency. Also called: 3 Methylcrotonylglycinuria; Deficiency of methylcrotonoyl-CoA carboxylase; 3-MCC Deficiency. Identifiers: Orphanet 6, MedGen C4551505, MONDO:0018950.
3-methylcrotonyl-CoA carboxylase 1 deficiency (MCC1D). Also called: MCCD TYPE 1; METHYLCROTONYLGLYCINURIA TYPE I; MCC 1 deficiency; 3 Alpha methylcrotonylglycinuria 1. Identifiers: Orphanet 6, MedGen CN028786, MONDO:0008861, OMIM 210200.

Submissions (3):

Natera, Inc.
Classification: Likely pathogenic for 3-methylcrotonyl-CoA carboxylase 1 deficiency. Last evaluated: 2025-08-05. Review status: criteria provided, single submitter. Criteria: Natera Variant Classification Schema (03/2026). Collection method: clinical testing. Allele origin: germline.
Comment: The c.288T>A variant in MCCC1 is a nonsense variant predicted to introduce a stop codon at amino acid 96. This variant is expected to result in nonsense mediated decay, truncation, or a dysfunctional protein product. This variant is rare in the general population with a frequency below the threshold expected for the associated phenotype(s). Given the available evidence, this variant is classified as Likely Pathogenic.

Labcorp Genetics (formerly Invitae), Labcorp
Classification: Pathogenic for 3-methylcrotonyl-CoA carboxylase 1 deficiency. Last evaluated: 2023-05-19. Review status: criteria provided, single submitter. Criteria: Invitae Variant Classification Sherloc (09022015). Collection method: clinical testing. Allele origin: germline.
Comment: This sequence change creates a premature translational stop signal (p.Tyr96*) in the MCCC1 gene. It is expected to result in an absent or disrupted protein product. Loss-of-function variants in MCCC1 are known to be pathogenic (PMID: 11181649, 15359379, 22642865). This variant is not present in population databases (gnomAD no frequency). This variant has not been reported in the literature in individuals affected with MCCC1-related conditions. ClinVar contains an entry for this variant (Variation ID: 1804815). For these reasons, this variant has been classified as Pathogenic.

Women's Health and Genetics/Laboratory Corporation of America, LabCorp
Classification: Likely pathogenic for Methylcrotonyl-CoA carboxylase deficiency. Last evaluated: 2022-11-04. Review status: criteria provided, single submitter. Criteria: LabCorp Variant Classification Summary - May 2015. Collection method: clinical testing. Allele origin: germline.
Comment: Variant summary: MCCC1 c.288T>A (p.Tyr96X) results in a premature termination codon, predicted to cause a truncation of the encoded protein or absence of the protein due to nonsense mediated decay, which are commonly known mechanisms for disease. Truncations downstream of this position have been classified as pathogenic in ClinVar database. The variant was absent in 251096 control chromosomes (gnomAD). To our knowledge, no occurrence of c.288T>A in individuals affected with Methylcrotonyl-CoA Carboxylase Deficiency and no experimental evidence demonstrating its impact on protein function have been reported. No clinical diagnostic laboratories have submitted clinical-significance assessments for this variant to ClinVar after 2014. Based on the evidence outlined above, the variant was classified as likely pathogenic.

Literature cited by the submitters: PubMed 11181649 (cited by Labcorp Genetics (formerly Invitae), Labcorp); PubMed 15359379 (cited by Labcorp Genetics (formerly Invitae), Labcorp); PubMed 22642865 (cited by Labcorp Genetics (formerly Invitae), Labcorp).